The following is an entry in ClinVar:

ClinVar aggregate classification (germline): Uncertain significance (1 of 4 stars; one submission).

Allele frequency attached by ClinVar (database versions not stated): ExAC 0.00002; TOPMed 0.00010; gnomAD 0.00011; gnomAD exomes 0.00017.
gnomAD v4.1: 257 of 1,613,712 alleles (0.016%); highest among the groups gnomAD compares: Non-Finnish European, 0.021%; no homozygotes.

Submission:

Labcorp Genetics (formerly Invitae), Labcorp
Classification: Uncertain significance. Last evaluated: 2025-07-29. Review status: criteria provided, single submitter. Criteria: Invitae Variant Classification Sherloc (09022015). Collection method: clinical testing. Allele origin: germline.
Comment: This sequence change replaces proline, which is neutral and non-polar, with threonine, which is neutral and polar, at codon 574 of the ERBB4 protein (p.Pro574Thr). This variant is present in population databases (rs200792124, gnomAD 0.008%). This variant has not been reported in the literature in individuals affected with ERBB4-related conditions. ClinVar contains an entry for this variant (Variation ID: 2196099). Invitae Evidence Modeling of protein sequence and biophysical properties (such as structural, functional, and spatial information, amino acid conservation, physicochemical variation, residue mobility, and thermodynamic stability) indicates that this missense variant is not expected to disrupt ERBB4 protein function with a negative predictive value of 80%. In summary, the available evidence is currently insufficient to determine the role of this variant in disease. Therefore, it has been classified as a Variant of Uncertain Significance.

NM_005235.3(ERBB4):c.1720C>A (p.Pro574Thr)

Gene: ERBB4 (erb-b2 receptor tyrosine kinase 4; minus strand). Cytogenetic location: 2q34.
Variant type: single nucleotide variant.
Coding change: c.1720C>A on transcript NM_005235.3 (MANE Select); coding-DNA position 1720, C replaced by A.
Protein change: p.Pro574Thr; replaces proline 574 with threonine.
Molecular consequence: missense variant.
Genome position (GRCh38, 1-based): chr2:211,665,474, G>T on the plus strand (C>A on the coding strand, the complement: ERBB4 is on the minus strand). VCF-style: chr2-211665474-G-T. GRCh37 (hg19) VCF-style: chr2-212530199-G-T.
Other names: c.1720C>A, p.Pro574Thr (NM_001042599.2); short protein forms P574T.
Identifiers: ClinVar variation 2196099 (VCV002196099.4), dbSNP rs200792124, ClinGen allele CA2088022.